The following is an entry in ClinVar:

ClinVar aggregate classification (germline): Uncertain significance (1 of 4 stars; one submission).

Conditions:
TTN-related disorder. Also called: TTN-related disorders; TTN-related condition; TTN-related disease.

gnomAD v4.1: 6 of 1,608,948 alleles (0.00037%); highest among the groups gnomAD compares: Non-Finnish European, 0.00051%; no homozygotes.

Submission:

PreventionGenetics, part of Exact Sciences
Classification: Uncertain significance for TTN-related condition. Last evaluated: 2026-04-07. Review status: criteria provided, single submitter. Criteria: ACMG Guidelines, 2015. Collection method: clinical testing. Allele origin: germline.
Comment: The TTN c.89244G>C variant is predicted to result in the amino acid substitution p.Lys29748Asn. To our knowledge, this variant has not been reported in the literature or in a large population database (gnomAD), indicating this variant is rare. At this time, the clinical significance of this variant is uncertain due to the absence of conclusive functional and genetic evidence.

NM_001267550.2(TTN):c.89244G>C (p.Lys29748Asn)

Genes: TTN (titin; minus strand), TTN-AS1 (TTN antisense RNA 1; plus strand). Cytogenetic location: 2q31.2.
Variant type: single nucleotide variant.
Coding change: c.89244G>C on transcript NM_001267550.2 (MANE Select); coding-DNA position 89244, G replaced by C.
Protein change: p.Lys29748Asn; replaces lysine 29748 with asparagine.
Molecular consequence: missense variant.
Genome position (GRCh38, 1-based): chr2:178,553,761, C>G on the plus strand (G>C on the coding strand, the complement: TTN is on the minus strand). VCF-style: chr2-178553761-C-G. GRCh37 (hg19) VCF-style: chr2-179418488-C-G.
Other names: c.84321G>C, p.Lys28107Asn (NM_001256850.1); c.62049G>C, p.Lys20683Asn (NM_003319.4); c.81540G>C, p.Lys27180Asn (NM_133378.4); c.62424G>C, p.Lys20808Asn (NM_133432.3); c.62625G>C, p.Lys20875Asn (NM_133437.4); short protein forms K28107N, K20683N, K27180N, K29748N, K20808N, K20875N.
Identifiers: ClinVar variation 4989814 (VCV004989814.1).
Genomic context (GRCh38, chr2:178,553,761, plus strand): 5'-CCCAGTAACAGCACTGCCCCCATCATAGACAGGCTTACTCCAGCCAAGGGTGATGGATGA[C>G]TTGGTTGAATCTGCGATTCTTATCTTAGCAGGTGGACCTGGAGGATCTGGAATGGCCATT-3'
Protein context (NP_001254479.2, residues 29738-29758): PAKIRIADST[Lys29748Asn]SSITLGWSKP